The following is an entry in ClinVar:

ClinVar aggregate classification (germline): Pathogenic (1 of 4 stars; one submission).

Conditions:
Developmental and epileptic encephalopathy, 37 (DEE37). Also called: Epileptic encephalopathy, early infantile, 37. Identifiers: MedGen C4310770, MONDO:0014859, OMIM 616981.

Submission:

Labcorp Genetics (formerly Invitae), Labcorp
Classification: Pathogenic for Developmental and epileptic encephalopathy, 37. Last evaluated: 2020-01-31. Review status: criteria provided, single submitter. Criteria: Invitae Variant Classification Sherloc (09022015). Collection method: clinical testing. Allele origin: germline.
Comment: For these reasons, this variant has been classified as Pathogenic. This variant has not been reported in the literature in individuals with FRRS1L-related conditions. This sequence change creates a premature translational stop signal (p.Ala11Cysfs*145) in the FRRS1L gene. It is expected to result in an absent or disrupted protein product. The frequency data for this variant in the population databases is considered unreliable, as metrics indicate insufficient coverage at this position in the ExAC database. Algorithms developed to predict the effect of sequence changes on RNA splicing suggest that this variant may create or strengthen a splice site, but this prediction has not been confirmed by published transcriptional studies. Loss-of-function variants in FRRS1L are known to be pathogenic (PMID: 27236917).

Literature cited by the submitters: PubMed 27236917.

NC_000009.12:g.109167267dup

Gene: FRRS1L (ferric chelate reductase 1 like; minus strand). Cytogenetic location: 9q31.3.
Variant type: Duplication.
Genome position: GRCh38 VCF-style: chr9-109167262-A-AC. GRCh37 (hg19) VCF-style: chr9-111929542-A-AC.
Identifiers: ClinVar variation 1073247 (VCV001073247.9), dbSNP rs1285856108, ClinGen allele CA858479477.